The following is an entry in ClinVar:

ClinVar aggregate classification (germline): Uncertain significance (1 of 4 stars; one submission).

Conditions:
Cystinuria (CSNU). Also called: Cystinuria, non-type I; CYSTINURIA, TYPE I; CYSTINURIA, TYPE II; CYSTINURIA, TYPE III. Identifiers: Orphanet 214, MedGen C0010691, MONDO:0009067, OMIM 220100, HP:0003131.

Submission:

Diagnostics Services (NGS), CSIR - Centre For Cellular And Molecular Biology
Classification: Uncertain significance for Cystinuria. Last evaluated: 2025-11-19. Review status: criteria provided, single submitter. Criteria: ACMG Guidelines, 2015. Collection method: clinical testing. Allele origin: germline. Observed: 1 variant allele, 1 heterozygote.
Comment: The c.1150G>C variant is not present in 1000 Genomes, EVS, gnomAD, Indian Exome Database or in our internal database. This variant has neither been published in the literature for SLC3A1-related conditions nor reported to clinical databases like Human Genome Mutation database (HGMD), OMIM, or ClinVar in any affected individuals. In-silico pathogenicity prediction programs like Polyphen-2, MutationTaster2, CADD, etc predicted this variant to be likely deleterious, however these predictions were not confirmed by any published functional studies.

NM_000341.4(SLC3A1):c.1150G>C (p.Glu384Gln)

Gene: SLC3A1 (solute carrier family 3 member 1; plus strand). Cytogenetic location: 2p21.
Variant type: single nucleotide variant.
Coding change: c.1150G>C on transcript NM_000341.4 (MANE Select); coding-DNA position 1150, G replaced by C.
Protein change: p.Glu384Gln; replaces glutamic acid 384 with glutamine.
Molecular consequence: missense variant.
Genome position (GRCh38, 1-based): chr2:44,304,156, G>C. VCF-style: chr2-44304156-G-C. GRCh37 (hg19) VCF-style: chr2-44531295-G-C.
Other names: short protein forms E384Q.
Identifiers: ClinVar variation 4533288 (VCV004533288.1).